The following is an entry in ClinVar:

NM_194454.3(KRIT1):c.542CTC[1] (p.Pro182del)

Gene: KRIT1 (KRIT1 ankyrin repeat containing; minus strand). Cytogenetic location: 7q21.2.
Variant type: Microsatellite.
Coding change: c.542CTC[1] on transcript NM_194454.3 (MANE Select); one copy of the 3-base unit CTC starting at c.542; the reference has two copies in a row; one copy, 3 bases deleted.
Protein change: p.Pro182del; deletes proline 182.
Molecular consequence: inframe deletion. On other transcripts: 5 prime UTR variant (1).
Genome position (GRCh38, 1-based): chr7:92,235,585-92,235,587, GAG deleted on the plus strand (CTC on the coding strand, the reverse complement: KRIT1 is on the minus strand); deleting any 3 consecutive bases within chr7:92,235,585-92,235,590 gives the same sequence; the position shown is the placement nearest the transcript's 3' end. VCF-style (leftmost placement, unchanged base first): chr7-92235584-AGAG-A. GRCh37 (hg19) VCF-style: chr7-91864898-AGAG-A.
Other names: c.542CTC[1], p.Pro182del (NM_001013406.2, NM_001350669.1, NM_001350670.1 and 29 more transcripts); c.-42CTC[1] (NM_001350671.1); short protein forms P182del.
Identifiers: ClinVar variation 3015837 (VCV003015837.3), dbSNP rs758571745, ClinGen allele CA4339345.
Genomic context (GRCh38, chr7:92,235,584, plus strand): 5'-TCTGTCTGACCTGATTCAGTAGCATATGCAGGATTTATGACATTAGTTTTTATCCGCTCA[AGAG>A]GAGAAGGTCGGAATAAAGCTGGAATAAAGTGAGATTGTGCATGACGTTCATCTAACCACC-3'

ClinVar aggregate classification (germline): Uncertain significance (1 of 4 stars; one submission).

Conditions:
Cerebral cavernous malformation (CCM). Also called: Cavernous Hemangioma of Brain; CAVERNOUS ANGIOMA, FAMILIAL; CAVERNOUS ANGIOMATOUS MALFORMATIONS; CEREBRAL CAPILLARY MALFORMATIONS; Cerebral cavernous malformations; Cerebral cavernous hemangioma (type). Identifiers: Orphanet 221061, MedGen C2919945, MONDO:0000820, OMIM 116860, HP:0033522.

Submission:

Labcorp Genetics (formerly Invitae), Labcorp
Classification: Uncertain significance for Cerebral cavernous malformation. Last evaluated: 2024-02-05. Review status: criteria provided, single submitter. Criteria: Invitae Variant Classification Sherloc (09022015). Collection method: clinical testing. Allele origin: germline.
Comment: This variant, c.545_547del, results in the deletion of 1 amino acid(s) of the KRIT1 protein (p.Pro182del), but otherwise preserves the integrity of the reading frame. This variant is present in population databases (rs758571745, gnomAD 0.01%). This variant has not been reported in the literature in individuals affected with KRIT1-related conditions. Experimental studies and prediction algorithms are not available or were not evaluated, and the functional significance of this variant is currently unknown. In summary, the available evidence is currently insufficient to determine the role of this variant in disease. Therefore, it has been classified as a Variant of Uncertain Significance.